The following is an entry in ClinVar:

ClinVar aggregate classification (germline): Likely pathogenic (1 of 4 stars; one submission).

Conditions:
Familial cancer of breast. Also called: BREAST CANCER, FAMILIAL; hereditary breast carcinoma; Hereditary breast cancer. Identifiers: Orphanet 227535, MedGen C0346153, MONDO:0016419, OMIM 114480. Disease mechanism: loss of function.
Fanconi anemia complementation group J. Also called: BRIP1-Related Fanconi Anemia. Identifiers: Orphanet 84, MedGen C1836860, MONDO:0012187, OMIM 609054.

Submission:

Labcorp Genetics (formerly Invitae), Labcorp
Classification: Likely pathogenic for Familial cancer of breast; Fanconi anemia complementation group J. Last evaluated: 2023-05-31. Review status: criteria provided, single submitter. Criteria: Invitae Variant Classification Sherloc (09022015). Collection method: clinical testing. Allele origin: unknown.
Comment: In summary, the currently available evidence indicates that the variant is pathogenic, but additional data are needed to prove that conclusively. Therefore, this variant has been classified as Likely Pathogenic. This variant has not been reported in the literature in individuals affected with BRIP1-related conditions. This variant results in a copy number gain of the genomic region encompassing exon(s) 5-14 of the BRIP1 gene. While the exact position of this variant cannot be determined from the data, sub-genic copy number gains are generally in tandem (PMID: 25640679). This variant is predicted to be out-of-frame, and may result in an absent or disrupted protein product. Loss-of-function variants in BRIP1 are known to be pathogenic (PMID: 16116423, 17033622, 21964575).

Literature cited by the submitters: PubMed 25640679; PubMed 16116423; PubMed 17033622; PubMed 21964575.

NC_000017.10:g.(?_59853742)_(59926637_?)dup

Gene: BRIP1 (BRCA1 interacting DNA helicase 1; minus strand). Cytogenetic location: 17q23.2.
Variant type: Duplication.
Identifiers: ClinVar variation 3242964 (VCV003242964.1).